The following is an entry in ClinVar:

ClinVar aggregate classification (germline): Benign. Review status: criteria provided, multiple submitters, no conflicts (2 of 4 stars). 2 submissions from 2 submitters: Benign (2). Last evaluated 2018-01-13.

Conditions:
Thyroid dyshormonogenesis 6 (TDH6). Also called: THYROID HORMONOGENESIS, GENETIC DEFECT IN, 6; Genetic transient congenital hypothyroidism; HYPOTHYROIDISM, CONGENITAL, DUE TO DYSHORMONOGENESIS, 6. Identifiers: Orphanet 226316, Orphanet 95716, MedGen C1846632, MONDO:0011792, OMIM 607200.

Allele frequency attached by ClinVar (database versions not stated): gnomAD exomes 0.01174; gnomAD 0.06786 and 0.07275; TOPMed 0.07659; 1000 Genomes Project 0.07967; 1000 Genomes Project 30x 0.08698.
gnomAD v4.1: 10,545 of 180,978 alleles (5.8%); highest among the groups gnomAD compares: African/African-American, 23%; 1,239 homozygotes.

Submissions (2):

Illumina Laboratory Services, Illumina
Classification: Benign for Thyroid dyshormonogenesis 6. Last evaluated: 2018-01-13. Review status: criteria provided, single submitter. Criteria: ICSL Variant Classification Criteria 13 December 2019. Collection method: clinical testing. Allele origin: germline.
Comment: This variant was observed in the ICSL laboratory as part of a predisposition screen in an ostensibly healthy population. It had not been previously curated by ICSL or reported in the Human Gene Mutation Database (HGMD: prior to June 1st, 2018), and was therefore a candidate for classification through an automated scoring system. Utilizing variant allele frequency, disease prevalence and penetrance estimates, and inheritance mode, an automated score was calculated to assess if this variant is too frequent to cause the disease. Based on the score and internal cut-off values, a variant classified as benign is not then subjected to further curation. The score for this variant resulted in a classification of benign for this disease.

Breakthrough Genomics
Classification: Benign. Review status: criteria provided, single submitter. Criteria: ACMG Guidelines, 2015. Collection method: not provided. Allele origin: germline. Inheritance: Autosomal recessive inheritance. Affected: yes.

NM_001363711.2(DUOX2):c.*478G>A

Gene: DUOX2 (dual oxidase 2; minus strand). Cytogenetic location: 15q21.1.
Variant type: single nucleotide variant.
Coding change: c.*478G>A on transcript NM_001363711.2 (MANE Select); 478 bases downstream of the stop codon, G replaced by A.
Molecular consequence: 3 prime UTR variant.
Genome position (GRCh38, 1-based): chr15:45,093,672, C>T on the plus strand (G>A on the coding strand, the complement: DUOX2 is on the minus strand). VCF-style: chr15-45093672-C-T. GRCh37 (hg19) VCF-style: chr15-45385870-C-T.
Other names: c.*478G>A (NM_014080.5).
Identifiers: ClinVar variation 316128 (VCV000316128.6), dbSNP rs12324044, ClinGen allele CA10636045.